The following is an entry in ClinVar:

NM_138393.4(REEP6):c.267G>A (p.Trp89Ter)

Gene: REEP6 (receptor accessory protein 6; plus strand). Cytogenetic location: 19p13.3.
Variant type: single nucleotide variant.
Coding change: c.267G>A on transcript NM_138393.4 (MANE Select); coding-DNA position 267, G replaced by A.
Protein change: p.Trp89Ter; replaces tryptophan 89 with a stop codon.
Molecular consequence: nonsense.
Genome position (GRCh38, 1-based): chr19:1,495,526, G>A. VCF-style: chr19-1495526-G-A. GRCh37 (hg19) VCF-style: chr19-1495525-G-A.
Other names: c.267G>A, p.Trp89Ter (NM_001329556.3); short protein forms W89*.
Identifiers: ClinVar variation 978972 (VCV000978972.3), dbSNP rs761786834, ClinGen allele CA9047470.

ClinVar aggregate classification (germline): Pathogenic. Review status: criteria provided, multiple submitters, no conflicts (2 of 4 stars). 3 submissions from 3 submitters: Pathogenic (2). 1 of the submissions does not count toward it. Last evaluated 2025-09-15.

Conditions:
Retinitis pigmentosa 77 (RP77). Identifiers: MedGen C4310626, MONDO:0015013, OMIM 617304.
Autosomal recessive retinitis pigmentosa. Identifiers: MedGen C0339526.

Allele frequency attached by ClinVar (database versions not stated): ExAC 0.00001; gnomAD exomes 0.00001.
gnomAD v4.1: 2 of 1,614,094 alleles (0.00012%); highest among the groups gnomAD compares: East Asian, 0.0022%; no homozygotes.

Submissions (3):

First Genomix Gene Laboratory, Genetic Diagnostics Department
Classification: Pathogenic for Retinitis pigmentosa 77. Last evaluated: 2025-09-15. Review status: criteria provided, single submitter. Criteria: ACMG Guidelines, 2015. Collection method: clinical testing. Allele origin: germline. Inheritance: Autosomal recessive inheritance. Affected: no. Observed: 1 variant allele.

Labcorp Genetics (formerly Invitae), Labcorp
Classification: Pathogenic. Last evaluated: 2024-10-05. Review status: criteria provided, single submitter. Criteria: Invitae Variant Classification Sherloc (09022015). Collection method: clinical testing. Allele origin: germline.
Comment: This sequence change creates a premature translational stop signal (p.Trp89*) in the REEP6 gene. It is expected to result in an absent or disrupted protein product. Loss-of-function variants in REEP6 are known to be pathogenic (PMID: 27889058, 29120066). This variant is present in population databases (rs761786834, gnomAD 0.01%). This premature translational stop signal has been observed in individual(s) with REEP6-related conditions (PMID: 29120066). ClinVar contains an entry for this variant (Variation ID: 978972). For these reasons, this variant has been classified as Pathogenic.

Faculty of Health Sciences, Beirut Arab University
Classification: Pathogenic for Autosomal recessive Retinitis Pigmentosa. Last evaluated: 2017-11-09. Review status: no assertion criteria provided. Collection method: literature only. Allele origin: germline. Affected: yes. Observed: 1 variant allele. Not counted in ClinVar's aggregate classification.

Literature cited by the submitters: PubMed 27889058 (cited by Labcorp Genetics (formerly Invitae), Labcorp); PubMed 29120066 (cited by Labcorp Genetics (formerly Invitae), Labcorp and Faculty of Health Sciences, Beirut Arab University).